The following is an entry in ClinVar:

NM_001040142.2(SCN2A):c.5213C>T (p.Pro1738Leu)

Gene: SCN2A (sodium voltage-gated channel alpha subunit 2; plus strand). Cytogenetic location: 2q24.3.
Variant type: single nucleotide variant.
Coding change: c.5213C>T on transcript NM_001040142.2 (MANE Select); coding-DNA position 5213, C replaced by T.
Protein change: p.Pro1738Leu; replaces proline 1738 with leucine.
Molecular consequence: missense variant.
Genome position (GRCh38, 1-based): chr2:165,389,019, C>T. VCF-style: chr2-165389019-C-T. GRCh37 (hg19) VCF-style: chr2-166245529-C-T.
Other names: c.5213C>T, p.Pro1738Leu (NM_001040143.2, NM_001371246.1, NM_001371247.1 and 1 more transcripts); short protein forms P1738L.
Identifiers: ClinVar variation 3348593 (VCV003348593.1).
Genomic context (GRCh38, chr2:165,389,019, plus strand): 5'-GATTGCTAGCACCTATTCTTAATAGTGGACCTCCAGACTGTGACCCTGACAAAGATCACC[C>T]TGGAAGCTCAGTTAAAGGAGACTGTGGGAACCCATCTGTTGGGATTTTCTTTTTTGTCAG-3'
Protein context (NP_001035232.1, residues 1728-1748): PPDCDPDKDH[Pro1738Leu]GSSVKGDCGN

ClinVar aggregate classification (germline): Uncertain significance (0 of 4 stars; one submission).

Conditions:
SCN2A-related disorder. Also called: SCN2A-related condition; SCN2A-related disorders. Identifiers: MedGen CN382226, MONDO:1060245.

Submission:

PreventionGenetics, part of Exact Sciences
Classification: Uncertain significance for SCN2A-related condition. Last evaluated: 2024-05-08. Review status: no assertion criteria provided. Collection method: clinical testing. Allele origin: germline.
Comment: The SCN2A c.5213C>T variant is predicted to result in the amino acid substitution p.Pro1738Leu. To our knowledge, this variant has not been reported in the literature or in a large population database, indicating this variant is rare. At this time, the clinical significance of this variant is uncertain due to the absence of conclusive functional and genetic evidence.